The following is an entry in ClinVar:

NM_002880.4(RAF1):c.379C>T (p.Gln127Ter)

Gene: RAF1 (Raf-1 proto-oncogene, serine/threonine kinase; minus strand). Cytogenetic location: 3p25.2.
Variant type: single nucleotide variant.
Coding change: c.379C>T on transcript NM_002880.4 (MANE Select); coding-DNA position 379, C replaced by T.
Protein change: p.Gln127Ter; replaces glutamine 127 with a stop codon.
Molecular consequence: nonsense. On other transcripts: non-coding transcript variant (3).
Genome position (GRCh38, 1-based): chr3:12,609,277, G>A on the plus strand (C>T on the coding strand, the complement: RAF1 is on the minus strand). VCF-style: chr3-12609277-G-A. GRCh37 (hg19) VCF-style: chr3-12650776-G-A.
Other names: c.379C>T, p.Gln127Ter (NM_001354689.3, NM_001354690.3, NM_001354693.3); c.136C>T, p.Gln46Ter (NM_001354691.3, NM_001354692.3, NM_001354694.3 and 1 more transcripts); short protein forms Q46*, Q127*.
Identifiers: ClinVar variation 944449 (VCV000944449.7), dbSNP rs397516820, ClinGen allele CA351518404.
Genomic context (GRCh38, chr3:12,609,277, plus strand): 5'-GAGATCTGCAACTTACAAAGTTGTGTGTTGTGAGGGGAACATGATCCAGGAAATCTACTT[G>A]AAGTTCTTCTCCAATCAAAGACGCAGCATCAGTATTCCAATCTAAGCGTGCTTTTTTACT-3'

ClinVar aggregate classification (germline): Uncertain significance (1 of 4 stars; one submission).

Conditions:
RASopathy. Also called: rasopathies; Noonan spectrum disorder. Identifiers: Orphanet 536391, MedGen C5555857, MONDO:0021060.

Submission:

Labcorp Genetics (formerly Invitae), Labcorp
Classification: Uncertain significance for RASopathy. Last evaluated: 2019-06-28. Review status: criteria provided, single submitter. Criteria: Invitae Variant Classification Sherloc (09022015). Collection method: clinical testing. Allele origin: germline.
Comment: In summary, the available evidence is currently insufficient to determine the role of this variant in disease. Therefore, it has been classified as a Variant of Uncertain Significance. The current clinical and genetic evidence is not sufficient to establish whether loss-of-function variants in RAF1 cause disease. This variant has not been reported in the literature in individuals with RAF1-related conditions. This variant is not present in population databases (ExAC no frequency). This sequence change creates a premature translational stop signal (p.Gln127*) in the RAF1 gene. It is expected to result in an absent or disrupted protein product.